The following is an entry in ClinVar:

NM_014639.4(SKIC3):c.3931+5G>A

Gene: SKIC3 (SKI3 subunit of superkiller complex; minus strand). Cytogenetic location: 5q15.
Variant type: single nucleotide variant.
Coding change: c.3931+5G>A on transcript NM_014639.4 (MANE Select); 5 bases into the intron after coding-DNA position 3931, G replaced by A.
Molecular consequence: intron variant.
Genome position (GRCh38, 1-based): chr5:95,490,903, C>T on the plus strand (G>A on the coding strand, the complement: SKIC3 is on the minus strand). VCF-style: chr5-95490903-C-T. GRCh37 (hg19) VCF-style: chr5-94826607-C-T.
Identifiers: ClinVar variation 2010066 (VCV002010066.4), dbSNP rs1331656613, ClinGen allele CA561268089.
Genomic context (GRCh38, chr5:95,490,903, plus strand): 5'-TTCTGGATTTAACCATTCAAGAAATCTGAATTAAATCATGTATAAAGATGCTTTTAAAAA[C>T]TTACTTGAAGCAGAAACAGCAGATAACAGTGCCAAGTATAAATCTATCCTCTTTGGCTGA-3'

ClinVar aggregate classification (germline): Uncertain significance (1 of 4 stars; one submission).

Allele frequency attached by ClinVar (database versions not stated): TOPMed below 0.00001; gnomAD 0.00001; gnomAD exomes 0.00001.
gnomAD v4.1: 22 of 1,613,842 alleles (0.0014%); highest among the groups gnomAD compares: African/African-American, 0.0027%; no homozygotes.

Submission:

Labcorp Genetics (formerly Invitae), Labcorp
Classification: Uncertain significance. Last evaluated: 2022-06-24. Review status: criteria provided, single submitter. Criteria: Invitae Variant Classification Sherloc (09022015). Collection method: clinical testing. Allele origin: germline.
Comment: This sequence change falls in intron 37 of the TTC37 gene. It does not directly change the encoded amino acid sequence of the TTC37 protein. It affects a nucleotide within the consensus splice site. This variant is present in population databases (no rsID available, gnomAD 0.0009%). This variant has not been reported in the literature in individuals affected with TTC37-related conditions. Variants that disrupt the consensus splice site are a relatively common cause of aberrant splicing (PMID: 17576681, 9536098). Algorithms developed to predict the effect of sequence changes on RNA splicing suggest that this variant may disrupt the consensus splice site. In summary, the available evidence is currently insufficient to determine the role of this variant in disease. Therefore, it has been classified as a Variant of Uncertain Significance.

Literature cited by the submitters: PubMed 17576681; PubMed 9536098.